The following is an entry in ClinVar:

ClinVar aggregate classification (germline): Likely benign. Review status: criteria provided, single submitter (1 of 4 stars). 2 submissions from 2 submitters: Likely benign (1). 1 of the submissions does not count toward it. Last evaluated 2019-12-31.

Conditions:
GTF2IRD1-related disorder. Also called: GTF2IRD1-related condition.

Allele frequency attached by ClinVar (database versions not stated): ExAC 0.00022; gnomAD exomes 0.00027 and 0.00068; gnomAD 0.00038 and 0.00041; TOPMed 0.00040; ESP Exome Variant Server 0.00054.
gnomAD v4.1: 1,039 of 1,612,378 alleles (0.064%); highest among the groups gnomAD compares: Non-Finnish European, 0.084%; 3 homozygotes.

Submissions (2):

Labcorp Genetics (formerly Invitae), Labcorp
Classification: Likely benign. Last evaluated: 2019-12-31. Review status: criteria provided, single submitter. Criteria: Invitae Variant Classification Sherloc (09022015). Collection method: clinical testing. Allele origin: germline.

PreventionGenetics, part of Exact Sciences
Classification: Likely benign for GTF2IRD1-related condition. Last evaluated: 2019-04-11. Review status: no assertion criteria provided. Collection method: clinical testing. Allele origin: germline. Not counted in ClinVar's aggregate classification.
Comment: This variant is classified as likely benign based on ACMG/AMP sequence variant interpretation guidelines (Richards et al. 2015 PMID: 25741868, with internal and published modifications).

NM_005685.4(GTF2IRD1):c.69G>A (p.Ala23=)

Gene: GTF2IRD1 (GTF2I repeat domain containing 1; plus strand). Cytogenetic location: 7q11.23.
Variant type: single nucleotide variant.
Coding change: c.69G>A on transcript NM_005685.4 (MANE Select); coding-DNA position 69, G replaced by A.
Protein change: p.Ala23=; no amino-acid change (alanine 23 retained).
Molecular consequence: synonymous variant.
Genome position (GRCh38, 1-based): chr7:74,508,149, G>A. VCF-style: chr7-74508149-G-A. GRCh37 (hg19) VCF-style: chr7-73922479-G-A.
Other names: c.69G>A, p.Ala23= (NM_001199207.2, NM_016328.3); c.69G>A (NM_001199207.1).
Identifiers: ClinVar variation 718537 (VCV000718537.6), dbSNP rs149970309, ClinGen allele CA4296374.